The following is an entry in ClinVar:

NM_003718.5(CDK13):c.741G>A (p.Lys247=)

Gene: CDK13 (cyclin dependent kinase 13; plus strand). Cytogenetic location: 7p14.1.
Variant type: single nucleotide variant.
Coding change: c.741G>A on transcript NM_003718.5 (MANE Select); coding-DNA position 741, G replaced by A.
Protein change: p.Lys247=; no amino-acid change (lysine 247 retained).
Molecular consequence: synonymous variant.
Genome position (GRCh38, 1-based): chr7:39,951,382, G>A. VCF-style: chr7-39951382-G-A. GRCh37 (hg19) VCF-style: chr7-39990981-G-A.
Other names: c.741G>A, p.Lys247= (NM_031267.4).
Identifiers: ClinVar variation 2110850 (VCV002110850.28), dbSNP rs2116063023, ClinGen allele CA454873596.

ClinVar aggregate classification (germline): Likely benign. Review status: criteria provided, multiple submitters, no conflicts (2 of 4 stars). 2 submissions from 2 submitters: Likely benign (2). Last evaluated 2022-03-13.

Submissions (2):

Labcorp Genetics (formerly Invitae), Labcorp
Classification: Likely benign. Last evaluated: 2022-03-13. Review status: criteria provided, single submitter. Criteria: Invitae Variant Classification Sherloc (09022015). Collection method: clinical testing. Allele origin: germline.

CeGaT Center for Human Genetics Tuebingen
Classification: Likely benign. Last evaluated: 2022-03-01. Review status: criteria provided, single submitter. Criteria: CeGaT Center For Human Genetics Tuebingen Variant Classification Criteria Version 2. Collection method: clinical testing. Allele origin: germline. Affected: yes. Observed: 1 variant allele.
Comment: CDK13: BP4, BP7